The following is an entry in ClinVar:

NM_006623.4(PHGDH):c.624_631del (p.Leu210fs)

Gene: PHGDH (phosphoglycerate dehydrogenase; plus strand). Cytogenetic location: 1p12.
Variant type: Deletion.
Coding change: c.624_631del on transcript NM_006623.4 (MANE Select); coding-DNA positions 624 to 631, 8 bases deleted (TCTCCTGC; older notation c.624_631delTCTCCTGC).
Protein change: p.Leu210fs; shifts the reading frame from leucine 210.
Molecular consequence: frameshift variant.
Genome position (GRCh38, 1-based): chr1:119,734,747-119,734,754, TCTCCTGC deleted; deleting any 8 consecutive bases within chr1:119,734,746-119,734,754 gives the same sequence; the c. name uses the placement nearest the transcript's 3' end. VCF-style (leftmost placement, unchanged base first): chr1-119734745-CCTCTCCTG-C. GRCh37 (hg19) VCF-style: chr1-120277368-CCTCTCCTG-C.
Other names: short protein forms L210fs.
Identifiers: ClinVar variation 5012855 (VCV005012855.1).

ClinVar aggregate classification (germline): Pathogenic (1 of 4 stars; one submission).

Conditions:
Neurometabolic disorder due to serine deficiency. Identifiers: Orphanet 35705, MedGen C5680148, MONDO:0018162.

Submission:

Myriad Genetics, Inc.
Classification: Pathogenic for Neurometabolic disorder due to serine deficiency. Last evaluated: 2024-03-22. Review status: criteria provided, single submitter. Criteria: Myriad Autosomal Dominant, Autosomal Recessive and X-Linked Classification Criteria (2023). Collection method: clinical testing. Allele origin: unknown.
Comment: NM_006623.3(PHGDH):c.624_631del8(L210Hfs*7) is expected to be pathogenic in the context of serine deficiency disorder, PHGDH-related. This variant is predicted to lead to an abnormal or absent protein product due to the creation of a premature termination codon in PHGDH, a gene where loss-of-function variants are known to be pathogenic. Please note: this variant was assessed in the context of healthy population screening.